The following is an entry in ClinVar:

ClinVar aggregate classification (germline): Uncertain significance (1 of 4 stars; one submission).

Allele frequency attached by ClinVar (database versions not stated): gnomAD exomes below 0.00001.
gnomAD v4.1: 2 of 1,614,256 alleles (0.00012%); highest among the groups gnomAD compares: Admixed American, 0.0017%; no homozygotes.

Submission:

GeneDx
Classification: Uncertain significance. Last evaluated: 2022-03-15. Review status: criteria provided, single submitter. Criteria: GeneDx Variant Classification Process June 2021. Collection method: clinical testing. Allele origin: germline. Affected: yes.
Comment: Not observed at significant frequency in large population cohorts (gnomAD); In silico analysis supports that this missense variant has a deleterious effect on protein structure/function; Has not been previously published as pathogenic or benign to our knowledge; Also known as p.(E401K)

NM_001243133.2(NLRP3):c.1201G>A (p.Glu401Lys)

Gene: NLRP3 (NLR family pyrin domain containing 3; plus strand). Cytogenetic location: 1q44.
Variant type: single nucleotide variant.
Coding change: c.1201G>A on transcript NM_001243133.2 (MANE Select); coding-DNA position 1201, G replaced by A.
Protein change: p.Glu401Lys; replaces glutamic acid 401 with lysine.
Molecular consequence: missense variant.
Genome position (GRCh38, 1-based): chr1:247,424,650, G>A. VCF-style: chr1-247424650-G-A. GRCh37 (hg19) VCF-style: chr1-247587952-G-A.
Other names: c.1201G>A, p.Glu401Lys (NM_001079821.3, NM_001127461.3, NM_001127462.3 and 1 more transcripts); c.1207G>A, p.Glu403Lys (NM_004895.5); short protein forms E401K, E403K.
Identifiers: ClinVar variation 1706239 (VCV001706239.2), dbSNP rs1233969205, ClinGen allele CA345556364.
Genomic context (GRCh38, chr1:247,424,650, plus strand): 5'-TTCAAGTACTTCTCTGATGAGGCCCAAGCCAGGGCAGCCTTCAGTCTGATTCAGGAGAAC[G>A]AGGTCCTCTTCACCATGTGCTTCATCCCCCTGGTCTGCTGGATCGTGTGCACTGGACTGA-3'
Protein context (NP_001230062.1, residues 391-411): RAAFSLIQEN[Glu401Lys]VLFTMCFIPL